The following is an entry in ClinVar:

ClinVar aggregate classification (germline): Uncertain significance (1 of 4 stars; one submission).

gnomAD v4.1: 1 of 1,614,120 alleles (0.000062%); highest among the groups gnomAD compares: Non-Finnish European, 0.000085%; no homozygotes.

Submission:

Labcorp Genetics (formerly Invitae), Labcorp
Classification: Uncertain significance. Last evaluated: 2021-09-06. Review status: criteria provided, single submitter. Criteria: Invitae Variant Classification Sherloc (09022015). Collection method: clinical testing. Allele origin: germline.
Comment: In summary, the available evidence is currently insufficient to determine the role of this variant in disease. Therefore, it has been classified as a Variant of Uncertain Significance. Algorithms developed to predict the effect of missense changes on protein structure and function are either unavailable or do not agree on the potential impact of this missense change (SIFT: "Deleterious"; PolyPhen-2: "Probably Damaging"; Align-GVGD: "Class C0"). This variant has not been reported in the literature in individuals affected with ALPK3-related conditions. This variant is not present in population databases (ExAC no frequency). This sequence change replaces glutamine with histidine at codon 400 of the ALPK3 protein (p.Gln400His). The glutamine residue is moderately conserved and there is a small physicochemical difference between glutamine and histidine.

NM_020778.5(ALPK3):c.594G>C (p.Gln198His)

Gene: ALPK3 (alpha kinase 3; plus strand). Cytogenetic location: 15q25.3.
Variant type: single nucleotide variant.
Coding change: c.594G>C on transcript NM_020778.5 (MANE Select); coding-DNA position 594, G replaced by C.
Protein change: p.Gln198His; replaces glutamine 198 with histidine.
Molecular consequence: missense variant.
Genome position (GRCh38, 1-based): chr15:84,839,873, G>C. VCF-style: chr15-84839873-G-C. GRCh37 (hg19) VCF-style: chr15-85383104-G-C.
Other names: short protein forms Q198H.
Identifiers: ClinVar variation 1404376 (VCV001404376.6), dbSNP rs1596149684, ClinGen allele CA393373023.
Genomic context (GRCh38, chr15:84,839,873, plus strand): 5'-CCAGCGCTGGTTCGCCAAGTTGAAGCGCAAGGCTGCGGCAAAGCTGCGCGAGATCGAGCA[G>C]AGCTGGAAGCACGAGAAGGCGGTGCCTGGGGAGGTCGACACTCTGCGCAAGCTCAGCCCC-3'
Protein context (NP_065829.4, residues 188-208): KAAAKLREIE[Gln198His]SWKHEKAVPG